The following is an entry in ClinVar:

ClinVar aggregate classification (germline): Uncertain significance (1 of 4 stars; one submission).

Submission:

Women's Health and Genetics/Laboratory Corporation of America, LabCorp
Classification: Uncertain significance. Last evaluated: 2025-11-25. Review status: criteria provided, single submitter. Criteria: LabCorp Variant Classification Summary - May 2015. Collection method: clinical testing. Allele origin: germline.
Comment: Variant summary: KAT6A c.4426G>A (p.Ala1476Thr) results in a non-conservative amino acid change in the encoded protein sequence. Algorithms developed to predict the effect of missense changes on protein structure and function are either unavailable or do not agree on the potential impact of this missense change. The variant was absent in 251480 control chromosomes. The available data on variant occurrences in the general population are insufficient to allow any conclusion about variant significance. To our knowledge, no occurrence of c.4426G>A in individuals affected with KAT6A-related conditions and no experimental evidence demonstrating its impact on protein function have been reported. No submitters have cited clinical-significance assessments for this variant to ClinVar. Based on the evidence outlined above, the variant was classified as uncertain significance.

NM_006766.5(KAT6A):c.4426G>A (p.Ala1476Thr)

Gene: KAT6A (lysine acetyltransferase 6A; minus strand). Cytogenetic location: 8p11.21.
Variant type: single nucleotide variant.
Coding change: c.4426G>A on transcript NM_006766.5 (MANE Select); coding-DNA position 4426, G replaced by A.
Protein change: p.Ala1476Thr; replaces alanine 1476 with threonine.
Molecular consequence: missense variant.
Genome position (GRCh38, 1-based): chr8:41,933,794, C>T on the plus strand (G>A on the coding strand, the complement: KAT6A is on the minus strand). VCF-style: chr8-41933794-C-T. GRCh37 (hg19) VCF-style: chr8-41791312-C-T.
Other names: short protein forms A1476T.
Identifiers: ClinVar variation 4537207 (VCV004537207.1).